The following is an entry in ClinVar:

NM_004369.4(COL6A3):c.6308A>G (p.Lys2103Arg)

Genes: COL6A3 (collagen type VI alpha 3 chain; minus strand), LOC122889011 (Sharpr-MPRA regulatory region 1020; plus strand). Cytogenetic location: 2q37.3.
Variant type: single nucleotide variant.
Coding change: c.6308A>G on transcript NM_004369.4 (MANE Select); coding-DNA position 6308, A replaced by G.
Protein change: p.Lys2103Arg; replaces lysine 2103 with arginine.
Molecular consequence: missense variant.
Genome position (GRCh38, 1-based): chr2:237,359,363, T>C on the plus strand (A>G on the coding strand, the complement: COL6A3 is on the minus strand). VCF-style: chr2-237359363-T-C. GRCh37 (hg19) VCF-style: chr2-238268006-T-C.
Other names: c.4487A>G, p.Lys1496Arg (NM_057166.5); c.5690A>G, p.Lys1897Arg (NM_057167.4); short protein forms K1496R, K1897R, K2103R.
Identifiers: ClinVar variation 650912 (VCV000650912.11), dbSNP rs1574975203, ClinGen allele CA351216228.

ClinVar aggregate classification (germline): Pathogenic (1 of 4 stars; one submission).

Conditions:
Bethlem myopathy 1A. Also called: Bethlem Muscular Dystrophy; Bethlem myopathy 1; MYOPATHY, BENIGN CONGENITAL, WITH CONTRACTURES. Identifiers: Orphanet 610, MedGen CN029274, MONDO:0024530, OMIM 158810.

Submission:

Labcorp Genetics (formerly Invitae), Labcorp
Classification: Pathogenic for Bethlem myopathy 1A. Last evaluated: 2024-12-12. Review status: criteria provided, single submitter. Criteria: Invitae Variant Classification Sherloc (09022015). Collection method: clinical testing. Allele origin: germline.
Comment: This sequence change replaces lysine, which is basic and polar, with arginine, which is basic and polar, at codon 2103 of the COL6A3 protein (p.Lys2103Arg). This variant is not present in population databases (gnomAD no frequency). This missense change has been observed in individual(s) with Bethlem myopathy (internal data). In at least one individual the variant was observed to be de novo. ClinVar contains an entry for this variant (Variation ID: 650912). An algorithm developed to predict the effect of missense changes on protein structure and function (PolyPhen-2) suggests that this variant is likely to be disruptive. Algorithms developed to predict the effect of sequence changes on RNA splicing suggest that this variant may disrupt the consensus splice site. For these reasons, this variant has been classified as Pathogenic.